The following is an entry in ClinVar:

ClinVar aggregate classification (germline): Uncertain significance (1 of 4 stars; one submission).

Submission:

Ambry Genetics
Classification: Uncertain significance. Last evaluated: 2021-12-11. Review status: criteria provided, single submitter. Criteria: Ambry Variant Classification Scheme 2023. Collection method: clinical testing. Allele origin: germline.
Comment: The p.S221N variant (also known as c.662G>A), located in coding exon 3 of the ALPK2 gene, results from a G to A substitution at nucleotide position 662. The serine at codon 221 is replaced by asparagine, an amino acid with highly similar properties. This amino acid position is conserved. In addition, this alteration is predicted to be tolerated by in silico analysis. Since supporting evidence is limited at this time, the clinical significance of this alteration remains unclear.

NM_052947.4(ALPK2):c.662G>A (p.Ser221Asn)

Gene: ALPK2 (alpha kinase 2; minus strand). Cytogenetic location: 18q21.31.
Variant type: single nucleotide variant.
Coding change: c.662G>A on transcript NM_052947.4 (MANE Select); coding-DNA position 662, G replaced by A.
Protein change: p.Ser221Asn; replaces serine 221 with asparagine.
Molecular consequence: missense variant.
Genome position (GRCh38, 1-based): chr18:58,580,114, C>T on the plus strand (G>A on the coding strand, the complement: ALPK2 is on the minus strand). VCF-style: chr18-58580114-C-T. GRCh37 (hg19) VCF-style: chr18-56247346-C-T.
Other names: short protein forms S221N.
Identifiers: ClinVar variation 1754567 (VCV001754567.2), dbSNP rs907637919, ClinGen allele CA300927529.